The following is an entry in ClinVar:

ClinVar aggregate classification (germline): Uncertain significance (1 of 4 stars; one submission).

Conditions:
Charcot-Marie-Tooth disease axonal type 2O. Also called: CHARCOT-MARIE-TOOTH NEUROPATHY, AXONAL, TYPE 2O; CHARCOT-MARIE-TOOTH DISEASE, AXONAL, AUTOSOMAL DOMINANT, TYPE 2O; Charcot-Marie-Tooth Neuropathy Type 2O; Charcot-Marie-Tooth disease, axonal, type 20. Identifiers: Orphanet 284232, MedGen C3280220, MONDO:0013644, OMIM 614228.

Allele frequency attached by ClinVar (database versions not stated): gnomAD 0.00001; gnomAD exomes 0.00001.
gnomAD v4.1: 8 of 1,613,948 alleles (0.0005%); highest among the groups gnomAD compares: Non-Finnish European, 0.00059%; no homozygotes.

Submission:

Labcorp Genetics (formerly Invitae), Labcorp
Classification: Uncertain significance for Charcot-Marie-Tooth disease axonal type 2O. Last evaluated: 2024-10-22. Review status: criteria provided, single submitter. Criteria: Invitae Variant Classification Sherloc (09022015). Collection method: clinical testing. Allele origin: germline.
Comment: This sequence change replaces arginine, which is basic and polar, with histidine, which is basic and polar, at codon 1195 of the DYNC1H1 protein (p.Arg1195His). The frequency data for this variant in the population databases is considered unreliable, as metrics indicate poor data quality at this position in the gnomAD database. This variant has not been reported in the literature in individuals affected with DYNC1H1-related conditions. ClinVar contains an entry for this variant (Variation ID: 2199464). Invitae Evidence Modeling of protein sequence and biophysical properties (such as structural, functional, and spatial information, amino acid conservation, physicochemical variation, residue mobility, and thermodynamic stability) indicates that this missense variant is expected to disrupt DYNC1H1 protein function with a positive predictive value of 95%. In summary, the available evidence is currently insufficient to determine the role of this variant in disease. Therefore, it has been classified as a Variant of Uncertain Significance.

NM_001376.5(DYNC1H1):c.3584G>A (p.Arg1195His)

Gene: DYNC1H1 (dynein cytoplasmic 1 heavy chain 1; plus strand). Cytogenetic location: 14q32.31.
Variant type: single nucleotide variant.
Coding change: c.3584G>A on transcript NM_001376.5 (MANE Select); coding-DNA position 3584, G replaced by A.
Protein change: p.Arg1195His; replaces arginine 1195 with histidine.
Molecular consequence: missense variant.
Genome position (GRCh38, 1-based): chr14:101,997,054, G>A. VCF-style: chr14-101997054-G-A. GRCh37 (hg19) VCF-style: chr14-102463391-G-A.
Other names: short protein forms R1195H.
Identifiers: ClinVar variation 2199464 (VCV002199464.4), dbSNP rs1267132371, ClinGen allele CA391035677.